The following is an entry in ClinVar:

NM_000138.5(FBN1):c.3103A>G (p.Ile1035Val)

Gene: FBN1 (fibrillin 1; minus strand). Cytogenetic location: 15q21.1.
Variant type: single nucleotide variant.
Coding change: c.3103A>G on transcript NM_000138.5 (MANE Select); coding-DNA position 3103, A replaced by G.
Protein change: p.Ile1035Val; replaces isoleucine 1035 with valine.
Molecular consequence: missense variant.
Genome position (GRCh38, 1-based): chr15:48,488,473, T>C on the plus strand (A>G on the coding strand, the complement: FBN1 is on the minus strand). VCF-style: chr15-48488473-T-C. GRCh37 (hg19) VCF-style: chr15-48780670-T-C.
Other names: c.3103A>G, p.Ile1035Val (NM_001406716.1); short protein forms I1035V.
Identifiers: ClinVar variation 3072308 (VCV003072308.1), dbSNP rs2505553790, ClinGen allele CA392328201.

ClinVar aggregate classification (germline): Uncertain significance (1 of 4 stars; one submission).

Conditions:
Marfan syndrome (MFS). Also called: MARFAN SYNDROME, TYPE I; Marfan syndrome type 1; Marfan's syndrome; Marfan syndrome, classic; FBN1-Related Marfan Syndrome. Identifiers: Orphanet 284963, Orphanet 558, MedGen C0024796, MONDO:0007947, OMIM 154700.

Allele frequency attached by ClinVar (database versions not stated): gnomAD exomes below 0.00001.
gnomAD v4.1: 2 of 1,614,098 alleles (0.00012%); highest among the groups gnomAD compares: Non-Finnish European, 0.000085%; no homozygotes.

Submission:

All of Us Research Program, National Institutes of Health
Classification: Uncertain significance for Marfan syndrome. Last evaluated: 2023-07-10. Review status: criteria provided, single submitter. Criteria: ACMG Guidelines, 2015. Collection method: clinical testing. Allele origin: germline. Inheritance: Autosomal dominant inheritance. Observed: 1 variant allele, 1 heterozygote.
Comment: This missense variant replaces isoleucine with valine at codon 1035 of the FBN1 protein. Computational prediction suggests that this variant may not impact protein structure and function (internally defined REVEL score threshold <= 0.5, PMID: 27666373). To our knowledge, functional studies have not been reported for this variant. This variant has not been reported in individuals affected with FBN1-related disorders in the literature. This variant has not been identified in the general population by the Genome Aggregation Database (gnomAD). The available evidence is insufficient to determine the role of this variant in disease conclusively. Therefore, this variant is classified as a Variant of Uncertain Significance.

This study involves interpretation of variants in research participants for the purpose of population health screening. Participant phenotype was not available at the time of variant classification. Additional details can be found in publication PMID: 35346344, PMCID: PMC8962531